The following is an entry in ClinVar:

NM_000350.3(ABCA4):c.1006T>C (p.Ser336Pro)

Gene: ABCA4 (ATP binding cassette subfamily A member 4; minus strand). Cytogenetic location: 1p22.1.
Variant type: single nucleotide variant.
Coding change: c.1006T>C on transcript NM_000350.3 (MANE Select); coding-DNA position 1006, T replaced by C.
Protein change: p.Ser336Pro; replaces serine 336 with proline.
Molecular consequence: missense variant.
Genome position (GRCh38, 1-based): chr1:94,080,571, A>G on the plus strand (T>C on the coding strand, the complement: ABCA4 is on the minus strand). VCF-style: chr1-94080571-A-G. GRCh37 (hg19) VCF-style: chr1-94546127-A-G.
Other names: c.1006T>C, p.Ser336Pro (NM_001425324.1); short protein forms S336P.
Identifiers: ClinVar variation 1417475 (VCV001417475.6), dbSNP rs2101106736, ClinGen allele CA341284149.

ClinVar aggregate classification (germline): Pathogenic (1 of 4 stars; one submission).

Submission:

Labcorp Genetics (formerly Invitae), Labcorp
Classification: Pathogenic. Last evaluated: 2021-10-20. Review status: criteria provided, single submitter. Criteria: Invitae Variant Classification Sherloc (09022015). Collection method: clinical testing. Allele origin: germline.
Comment: For these reasons, this variant has been classified as Pathogenic. This variant disrupts the p.Ser336 amino acid residue in ABCA4. Other variant(s) that disrupt this residue have been determined to be pathogenic (PMID: 21296825, 28559085). This suggests that this residue is clinically significant, and that variants that disrupt this residue are likely to be disease-causing. Advanced modeling of protein sequence and biophysical properties (such as structural, functional, and spatial information, amino acid conservation, physicochemical variation, residue mobility, and thermodynamic stability) performed at Invitae indicates that this missense variant is expected to disrupt ABCA4 protein function. This missense change has been observed in individual(s) with Stargardt disease (Invitae). This variant is not present in population databases (ExAC no frequency). This sequence change replaces serine with proline at codon 336 of the ABCA4 protein (p.Ser336Pro). The serine residue is highly conserved and there is a moderate physicochemical difference between serine and proline.

Literature cited by the submitters: PubMed 21296825; PubMed 28559085.